The following is an entry in ClinVar:

ClinVar aggregate classification (germline): Uncertain significance (1 of 4 stars; one submission).

Conditions:
Inborn genetic diseases. Identifiers: MedGen C0950123, MeSH D030342.

Submission:

Ambry Genetics
Classification: Uncertain significance for Inborn genetic diseases. Last evaluated: 2024-03-04. Review status: criteria provided, single submitter. Criteria: Ambry Variant Classification Scheme 2023. Collection method: clinical testing. Allele origin: germline.
Comment: The p.V2028M variant (also known as c.6082G>A), located in coding exon 36 of the ATR gene, results from a G to A substitution at nucleotide position 6082. The valine at codon 2028 is replaced by methionine, an amino acid with highly similar properties. This amino acid position is conserved. In addition, the in silico prediction for this alteration is inconclusive. Based on the available evidence, the clinical significance of this alteration remains unclear.

NM_001184.4(ATR):c.6082G>A (p.Val2028Met)

Genes: ATR (ATR checkpoint kinase; minus strand), LOC126806830 (BRD4-independent group 4 enhancer GRCh37_chr3:142203676-142204875; plus strand). Cytogenetic location: 3q23.
Variant type: single nucleotide variant.
Coding change: c.6082G>A on transcript NM_001184.4 (MANE Select); coding-DNA position 6082, G replaced by A.
Protein change: p.Val2028Met; replaces valine 2028 with methionine.
Molecular consequence: missense variant.
Genome position (GRCh38, 1-based): chr3:142,485,279, C>T on the plus strand (G>A on the coding strand, the complement: ATR is on the minus strand). VCF-style: chr3-142485279-C-T. GRCh37 (hg19) VCF-style: chr3-142204121-C-T.
Other names: c.5890G>A, p.Val1964Met (NM_001354579.2); short protein forms V1964M, V2028M.
Identifiers: ClinVar variation 3221239 (VCV003221239.1), dbSNP rs2108311742, ClinGen allele CA354809827.
Genomic context (GRCh38, chr3:142,485,279, plus strand): 5'-TGTCATAGTACTTGGCAAGGTAAAAATGCCCATCCTCCCATTCTGGCAGGCACGCGGTCA[C>T]ATCCTATAAAAAAGAACATAGGATACCTACCTAAGGAAATCCCACGCTATGCTGGGAAGT-3'
Protein context (NP_001175.2, residues 2018-2038): SNAIMKKYKD[Val2028Met]TACLPEWEDG